The following is an entry in ClinVar:

NM_020921.4(NIN):c.65C>T (p.Thr22Met)

Genes: NIN (ninein; minus strand), LOC105370489 (uncharacterized LOC105370489; plus strand). Cytogenetic location: 14q22.1.
Variant type: single nucleotide variant.
Coding change: c.65C>T on transcript NM_020921.4 (MANE Select); coding-DNA position 65, C replaced by T.
Protein change: p.Thr22Met; replaces threonine 22 with methionine.
Molecular consequence: missense variant.
Genome position (GRCh38, 1-based): chr14:50,821,992, G>A on the plus strand (C>T on the coding strand, the complement: NIN is on the minus strand). VCF-style: chr14-50821992-G-A. GRCh37 (hg19) VCF-style: chr14-51288710-G-A.
Other names: c.65C>T, p.Thr22Met (NM_016350.5, NM_182944.3, NM_182946.2); short protein forms T22M.
Identifiers: ClinVar variation 1905080 (VCV001905080.5), dbSNP rs1348032914, ClinGen allele CA389684882.

ClinVar aggregate classification (germline): Uncertain significance (1 of 4 stars; one submission).

Allele frequency attached by ClinVar (database versions not stated): gnomAD 0.00001; gnomAD exomes 0.00001; TOPMed 0.00003.
gnomAD v4.1: 20 of 1,614,018 alleles (0.0012%); highest among the groups gnomAD compares: South Asian, 0.0044%; no homozygotes.

Submission:

Labcorp Genetics (formerly Invitae), Labcorp
Classification: Uncertain significance. Last evaluated: 2024-10-16. Review status: criteria provided, single submitter. Criteria: Invitae Variant Classification Sherloc (09022015). Collection method: clinical testing. Allele origin: germline.
Comment: This sequence change replaces threonine, which is neutral and polar, with methionine, which is neutral and non-polar, at codon 22 of the NIN protein (p.Thr22Met). This variant is not present in population databases (gnomAD no frequency). This variant has not been reported in the literature in individuals affected with NIN-related conditions. ClinVar contains an entry for this variant (Variation ID: 1905080). An algorithm developed to predict the effect of missense changes on protein structure and function (PolyPhen-2) suggests that this variant is likely to be disruptive. In summary, the available evidence is currently insufficient to determine the role of this variant in disease. Therefore, it has been classified as a Variant of Uncertain Significance.